The following is an entry in ClinVar:

NM_021625.5(TRPV4):c.1210C>T (p.Arg404Cys)

Gene: TRPV4 (transient receptor potential cation channel subfamily V member 4; minus strand). Cytogenetic location: 12q24.11.
Variant type: single nucleotide variant.
Coding change: c.1210C>T on transcript NM_021625.5 (MANE Select); coding-DNA position 1210, C replaced by T.
Protein change: p.Arg404Cys; replaces arginine 404 with cysteine.
Molecular consequence: missense variant. On other transcripts: intron variant (2).
Genome position (GRCh38, 1-based): chr12:109,796,647, G>A on the plus strand (C>T on the coding strand, the complement: TRPV4 is on the minus strand). VCF-style: chr12-109796647-G-A. GRCh37 (hg19) VCF-style: chr12-110234452-G-A.
Other names: c.1069C>T, p.Arg357Cys (NM_001177428.2); c.1108C>T, p.Arg370Cys (NM_001177431.2); c.1011+1967C>T (NM_001177433.1); c.1152+1967C>T (NM_147204.2); short protein forms R404C, R357C, R370C.
Identifiers: ClinVar variation 3683454 (VCV003683454.2).

ClinVar aggregate classification (germline): Uncertain significance (1 of 4 stars; one submission).

Conditions:
Charcot-Marie-Tooth disease axonal type 2C (HMSN2C). Also called: CHARCOT-MARIE-TOOTH DISEASE, AXONAL, AUTOSOMAL DOMINANT, TYPE 2C; Charcot-Marie-Tooth Neuropathy Type 2C; Charcot-Marie-Tooth Disease Type 2, TRPV4-Related (CMT2C). Identifiers: Orphanet 99937, MedGen C1853710, MONDO:0011633, OMIM 606071.

Submission:

Labcorp Genetics (formerly Invitae), Labcorp
Classification: Uncertain significance for Charcot-Marie-Tooth disease axonal type 2C. Last evaluated: 2024-08-21. Review status: criteria provided, single submitter. Criteria: Invitae Variant Classification Sherloc (09022015). Collection method: clinical testing. Allele origin: germline.
Comment: This sequence change replaces arginine, which is basic and polar, with cysteine, which is neutral and slightly polar, at codon 404 of the TRPV4 protein (p.Arg404Cys). This variant is present in population databases (rs747531619, gnomAD 0.009%). This variant has not been reported in the literature in individuals affected with TRPV4-related conditions. Invitae Evidence Modeling of protein sequence and biophysical properties (such as structural, functional, and spatial information, amino acid conservation, physicochemical variation, residue mobility, and thermodynamic stability) has been performed for this missense variant. However, the output from this modeling did not meet the statistical confidence thresholds required to predict the impact of this variant on TRPV4 protein function. In summary, the available evidence is currently insufficient to determine the role of this variant in disease. Therefore, it has been classified as a Variant of Uncertain Significance.